The following is an entry in ClinVar:

NC_000003.12:g.(?_179401203)_(179426210_?)dup

Gene: GNB4 (G protein subunit beta 4; minus strand). Cytogenetic location: 3q26.33.
Variant type: Duplication.
Identifiers: ClinVar variation 831176 (VCV000831176.2).

ClinVar aggregate classification (germline): Uncertain significance (1 of 4 stars; one submission).

Conditions:
Charcot-Marie-Tooth disease dominant intermediate F. Identifiers: Orphanet 352670, MedGen C4749463, MONDO:0014074, OMIM 615185.

Submission:

Labcorp Genetics (formerly Invitae), Labcorp
Classification: Uncertain significance for Charcot-Marie-Tooth disease, dominant intermediate F. Last evaluated: 2019-09-17. Review status: criteria provided, single submitter. Criteria: Invitae Variant Classification Sherloc (09022015). Collection method: clinical testing. Allele origin: germline.
Comment: A gross duplication of the genomic region encompassing the full coding sequence of the GNB4 gene has been identified. The boundaries of this event are unknown as the duplication extends beyond the assayed region for this gene and therefore may encompass additional genes. As the precise location of this duplication is unknown, it may be in tandem or it may be located elsewhere in the genome. This duplication has not been reported in the literature in individuals affected with GNB4-related disease. In summary, the available evidence is currently insufficient to determine the role of this variant in disease. Therefore, it has been classified as a Variant of Uncertain Significance.